The following is an entry in ClinVar:

NM_003072.5(SMARCA4):c.3348T>C (p.Phe1116=)

Gene: SMARCA4 (SWI/SNF related BAF chromatin remodeling complex subunit ATPase 4; plus strand). Cytogenetic location: 19p13.2.
Variant type: single nucleotide variant.
Coding change: c.3348T>C on transcript NM_003072.5 (MANE Select); coding-DNA position 3348, T replaced by C.
Protein change: p.Phe1116=; no amino-acid change (phenylalanine 1116 retained).
Molecular consequence: synonymous variant. On other transcripts: non-coding transcript variant (1).
Genome position (GRCh38, 1-based): chr19:11,027,916, T>C. VCF-style: chr19-11027916-T-C. GRCh37 (hg19) VCF-style: chr19-11138592-T-C.
Other names: c.3348T>C, p.Phe1116= (NM_001128844.3, NM_001128845.2, NM_001128846.2 and 5 more transcripts).
Identifiers: ClinVar variation 480633 (VCV000480633.15), dbSNP rs1182379000, ClinGen allele CA505491828.
Genomic context (GRCh38, chr19:11,027,916, plus strand): 5'-CCACAAAGTGCTGCTGTTCTGCCAAATGACCTCCCTCATGACCATCATGGAAGATTACTT[T>C]GCGTATCGCGGCTTTAAATACCTCAGGCTTGATGGTGAGTATGAGCCAGTGAGGCGTTTC-3'
Protein context (NP_003063.2, residues 1106-1126): TSLMTIMEDY[Phe1116=]AYRGFKYLRL

ClinVar aggregate classification (germline): Benign/Likely benign. Review status: criteria provided, multiple submitters, no conflicts (2 of 4 stars). 3 submissions from 3 submitters: Benign (1); Likely benign (2). Last evaluated 2026-07-14.

Conditions:
Rhabdoid tumor predisposition syndrome 2 (RTPS2). Identifiers: Orphanet 231108, Orphanet 69077, MedGen C2750074, MONDO:0013224, OMIM 613325.
Hereditary cancer-predisposing syndrome. Also called: Tumor predisposition; Neoplastic Syndromes, Hereditary; Hereditary Cancer Syndrome; Hereditary neoplastic syndrome. Identifiers: Orphanet 140162, MedGen C0027672, MeSH D009386, MONDO:0015356.

Allele frequency attached by ClinVar (database versions not stated): gnomAD exomes below 0.00001 and 0.00001; gnomAD below 0.00001 and 0.00001.
gnomAD v4.1: 15 of 1,614,086 alleles (0.00093%); highest among the groups gnomAD compares: South Asian, 0.015%; no homozygotes.

Submissions (3):

Myriad Genetics, Inc.
Classification: Benign for Rhabdoid tumor predisposition syndrome 2. Last evaluated: 2026-07-14. Review status: criteria provided, single submitter. Criteria: Myriad Autosomal Dominant, Autosomal Recessive and X-Linked Classification Criteria (2023). Collection method: clinical testing. Allele origin: unknown.
Comment: This variant is considered benign. This variant is a silent/synonymous amino acid change and it is not expected to impact splicing.

Labcorp Genetics (formerly Invitae), Labcorp
Classification: Likely benign for Rhabdoid tumor predisposition syndrome 2. Last evaluated: 2026-01-21. Review status: criteria provided, single submitter. Criteria: Invitae Variant Classification Sherloc (09022015). Collection method: clinical testing. Allele origin: germline.

Ambry Genetics
Classification: Likely benign for Hereditary cancer-predisposing syndrome. Last evaluated: 2016-06-13. Review status: criteria provided, single submitter. Criteria: Ambry Variant Classification Scheme 2023. Collection method: clinical testing. Allele origin: germline.